The following is an entry in ClinVar:

ClinVar aggregate classification (germline): Uncertain significance (3 of 4 stars; one submission).

Conditions:
Monogenic diabetes. Identifiers: Orphanet 183625, MedGen C3888631, MONDO:0015967.

Submission:

ClinGen Monogenic Diabetes Variant Curation Expert Panel
Classification: Uncertain significance for Monogenic diabetes. Last evaluated: 2022-03-30. Review status: reviewed by expert panel. Criteria: ClinGen Diabetes ACMG Specifications v1 1. Collection method: curation. Allele origin: germline. Inheritance: Autosomal dominant inheritance.
Comment: The c.35T>C variant in the HNF1 homeobox A gene, HNF1A, causes an amino acid change of leucine to proline at codon 12 (p.(Leu12Pro)) of NM_000545.8. This variant is absent from gnomAD v2.1.1 (PM2_Supporting). Additionally, this variant is located within the dimerization domain of HNF1A (codons 1-32), which is defined as critical for the protein’s function by the ClinGen MDEP (PM1_Supporting). This variant is predicted to be deleterious by computational evidence, with a REVEL score of 0.9399, which is greater than the MDEP threshold of 0.70 (PP3) (PP3). This variant was identified in an individual with a clinical history suggestive of HNF1A-MODY (MODY probability calculator result >50%); however, HNF4A was not tested (PMID:28395978). Lastly, another missense variant, c.34C>T, (p.Leu12Phe), has been classified as likely pathogenic by the ClinGen MDEP (PM5_Supporting). In summary, this variant meets the criteria to be classified as a variant of uncertain significance for monogenic diabetes. ACMG/AMP criteria applied, as specified by the ClinGen MDEP (specification version 1.1, approved 9/30/2021): PM2_Supporting, PM1_Supporting, PP3, PM5_Supporting.

NM_000545.8(HNF1A):c.35T>C (p.Leu12Pro)

Gene: HNF1A (HNF1 homeobox A; plus strand). Cytogenetic location: 12q24.31.
Variant type: single nucleotide variant.
Coding change: c.35T>C on transcript NM_000545.8 (MANE Select); coding-DNA position 35, T replaced by C.
Protein change: p.Leu12Pro; replaces leucine 12 with proline.
Molecular consequence: missense variant.
Genome position (GRCh38, 1-based): chr12:120,978,803, T>C. VCF-style: chr12-120978803-T-C. GRCh37 (hg19) VCF-style: chr12-121416606-T-C.
Other names: NM_001306179.2:c.35T>C; c.35T>C, p.Leu12Pro (NM_001306179.2); short protein forms L12P.
Identifiers: ClinVar variation 1675050 (VCV001675050.3), dbSNP rs2135819422, ClinGen allele CA386952412.